The following is an entry in ClinVar:

NM_001351132.2(PEX5):c.355G>A (p.Ala119Thr)

Gene: PEX5 (peroxisomal biogenesis factor 5; plus strand). Cytogenetic location: 12p13.31.
Variant type: single nucleotide variant.
Coding change: c.355G>A on transcript NM_001351132.2 (MANE Select); coding-DNA position 355, G replaced by A.
Protein change: p.Ala119Thr; replaces alanine 119 with threonine.
Molecular consequence: missense variant.
Genome position (GRCh38, 1-based): chr12:7,191,607, G>A. VCF-style: chr12-7191607-G-A. GRCh37 (hg19) VCF-style: chr12-7344203-G-A.
Other names: c.355G>A, p.Ala119Thr (NM_000319.5, NM_001131024.2, NM_001131025.2 and 19 more transcripts); c.400G>A, p.Ala134Thr (NM_001131023.2, NM_001351135.3, NM_001351138.2); short protein forms A119T, A134T.
Identifiers: ClinVar variation 4984018 (VCV004984018.1).
Genomic context (GRCh38, chr12:7,191,607, plus strand): 5'-TTTTCTCTCTCTCTCTTTTAAGCCCCTGGTGTGGCAGACTTGGCCTTGTCTGAGAACTGG[G>A]CCCAGGAGTTTCTTGCAGCTGGAGATGCTGTGGATGTAACTCAGGATTATAATGAGACTG-3'
Protein context (NP_001338061.1, residues 109-129): VADLALSENW[Ala119Thr]QEFLAAGDAV

ClinVar aggregate classification (germline): Uncertain significance (1 of 4 stars; one submission).

Conditions:
PEX5-related disorder. Also called: PEX5-Related Disorders; PEX5-related condition.

gnomAD v4.1: 1 of 1,614,016 alleles (0.000062%); highest among the groups gnomAD compares: African/African-American, 0.0013%; no homozygotes.

Submission:

PreventionGenetics, part of Exact Sciences
Classification: Uncertain significance for PEX5-related condition. Last evaluated: 2026-03-04. Review status: criteria provided, single submitter. Criteria: ACMG Guidelines, 2015. Collection method: clinical testing. Allele origin: germline.
Comment: The PEX5 c.355G>A variant is predicted to result in the amino acid substitution p.Ala119Thr. To our knowledge, this variant has not been reported in the literature or in a large population database (gnomAD), indicating this variant is rare. At this time, the clinical significance of this variant is uncertain due to the absence of conclusive functional and genetic evidence.